The following is an entry in ClinVar:

NM_207352.4(CYP4V2):c.1201A>G (p.Ser401Gly)

Gene: CYP4V2 (cytochrome P450 family 4 subfamily V member 2; plus strand). Cytogenetic location: 4q35.2.
Variant type: single nucleotide variant.
Coding change: c.1201A>G on transcript NM_207352.4 (MANE Select); coding-DNA position 1201, A replaced by G.
Protein change: p.Ser401Gly; replaces serine 401 with glycine.
Molecular consequence: missense variant.
Genome position (GRCh38, 1-based): chr4:186,208,975, A>G. VCF-style: chr4-186208975-A-G. GRCh37 (hg19) VCF-style: chr4-187130129-A-G.
Other names: c.1201A>G (NM_207352.3); short protein forms S401G.
Identifiers: ClinVar variation 2064093 (VCV002064093.8), dbSNP rs756115470, ClinGen allele CA3162784.

ClinVar aggregate classification (germline): Uncertain significance. Review status: criteria provided, multiple submitters, no conflicts (2 of 4 stars). 3 submissions from 3 submitters: Uncertain significance (3). Last evaluated 2025-08-23.

Conditions:
Inborn genetic diseases. Identifiers: MedGen C0950123, MeSH D030342.

Allele frequency attached by ClinVar (database versions not stated): ExAC 0.00001; gnomAD exomes 0.00004; TOPMed 0.00004; gnomAD 0.00006.

Submissions (3):

Ambry Genetics
Classification: Uncertain significance for Inborn genetic diseases. Last evaluated: 2025-08-23. Review status: criteria provided, single submitter. Criteria: Ambry Variant Classification Scheme 2023. Collection method: clinical testing. Allele origin: germline.

Labcorp Genetics (formerly Invitae), Labcorp
Classification: Uncertain significance. Last evaluated: 2021-12-13. Review status: criteria provided, single submitter. Criteria: Invitae Variant Classification Sherloc (09022015). Collection method: clinical testing. Allele origin: germline.
Comment: This variant has not been reported in the literature in individuals affected with CYP4V2-related conditions. Advanced modeling of protein sequence and biophysical properties (such as structural, functional, and spatial information, amino acid conservation, physicochemical variation, residue mobility, and thermodynamic stability) performed at Invitae indicates that this missense variant is not expected to disrupt CYP4V2 protein function. In summary, the available evidence is currently insufficient to determine the role of this variant in disease. Therefore, it has been classified as a Variant of Uncertain Significance. This variant is present in population databases (rs756115470, gnomAD 0.004%). This sequence change replaces serine, which is neutral and polar, with glycine, which is neutral and non-polar, at codon 401 of the CYP4V2 protein (p.Ser401Gly).

Blueprint Genetics
Classification: Uncertain significance. Last evaluated: 2018-12-31. Review status: criteria provided, single submitter. Criteria: ACMG Guidelines, 2015. Collection method: clinical testing. Allele origin: germline.